The following is an entry in ClinVar:

NM_006231.4(POLE):c.5896_5907del (p.Glu1966_Glu1969del)

Gene: POLE (DNA polymerase epsilon, catalytic subunit; minus strand). Cytogenetic location: 12q24.33.
Variant type: Deletion.
Coding change: c.5896_5907del on transcript NM_006231.4 (MANE Select); coding-DNA positions 5896 to 5907, 12 bases deleted (GAGGCGGAGGAA).
Protein change: p.Glu1966_Glu1969del.
Molecular consequence: inframe deletion.
Genome position (GRCh38, 1-based): chr12:132,634,283-132,634,294, TTCCTCCGCCTC deleted on the plus strand (GAGGCGGAGGAA on the coding strand, the reverse complement: POLE is on the minus strand); deleting any 12 consecutive bases within chr12:132,634,283-132,634,301 gives the same sequence; the c. name uses the placement nearest the transcript's 3' end. VCF-style (leftmost placement, unchanged base first): chr12-132634282-ATTCCTCCGCCTC-A. GRCh37 (hg19) VCF-style: chr12-133210868-ATTCCTCCGCCTC-A.
Identifiers: ClinVar variation 1045877 (VCV001045877.8), dbSNP rs2041991885, ClinGen allele CA2072981655.

ClinVar aggregate classification (germline): Uncertain significance (1 of 4 stars; one submission).

Submission:

Labcorp Genetics (formerly Invitae), Labcorp
Classification: Uncertain significance. Last evaluated: 2024-04-16. Review status: criteria provided, single submitter. Criteria: Invitae Variant Classification Sherloc (09022015). Collection method: clinical testing. Allele origin: germline.
Comment: This variant, c.5896_5907del, results in the deletion of 4 amino acid(s) of the POLE protein (p.Glu1966_Glu1969del), but otherwise preserves the integrity of the reading frame. This variant is not present in population databases (gnomAD no frequency). This variant has not been reported in the literature in individuals affected with POLE-related conditions. ClinVar contains an entry for this variant (Variation ID: 1045877). Experimental studies and prediction algorithms are not available or were not evaluated, and the functional significance of this variant is currently unknown. In summary, the available evidence is currently insufficient to determine the role of this variant in disease. Therefore, it has been classified as a Variant of Uncertain Significance.